The following is an entry in ClinVar:

NM_000215.4(JAK3):c.1514A>G (p.Gln505Arg)

Gene: JAK3 (Janus kinase 3; minus strand). Cytogenetic location: 19p13.11.
Variant type: single nucleotide variant.
Coding change: c.1514A>G on transcript NM_000215.4 (MANE Select); coding-DNA position 1514, A replaced by G.
Protein change: p.Gln505Arg; replaces glutamine 505 with arginine.
Molecular consequence: missense variant.
Genome position (GRCh38, 1-based): chr19:17,838,318, T>C on the plus strand (A>G on the coding strand, the complement: JAK3 is on the minus strand). VCF-style: chr19-17838318-T-C. GRCh37 (hg19) VCF-style: chr19-17949127-T-C.
Other names: short protein forms Q505R.
Identifiers: ClinVar variation 950110 (VCV000950110.8), dbSNP rs2094229344, ClinGen allele CA404769933.

ClinVar aggregate classification (germline): Uncertain significance (1 of 4 stars; one submission).

Conditions:
T-B+ severe combined immunodeficiency due to JAK3 deficiency. Also called: SCID, T CELL-NEGATIVE, B CELL-POSITIVE, NK CELL-NEGATIVE; SCID, autosomal recessive, T-negative/B-positive type. Identifiers: Orphanet 35078, MedGen C1833275, MONDO:0010938, OMIM 600802.

Allele frequency attached by ClinVar (database versions not stated): gnomAD 0.00001; TOPMed 0.00002.
gnomAD v4.1: 1 of 1,613,954 alleles (0.000062%); highest among the groups gnomAD compares: Admixed American, 0.0017%; no homozygotes.

Submission:

Labcorp Genetics (formerly Invitae), Labcorp
Classification: Uncertain significance for T-B+ severe combined immunodeficiency due to JAK3 deficiency. Last evaluated: 2022-10-17. Review status: criteria provided, single submitter. Criteria: Invitae Variant Classification Sherloc (09022015). Collection method: clinical testing. Allele origin: germline.
Comment: This sequence change replaces glutamine, which is neutral and polar, with arginine, which is basic and polar, at codon 505 of the JAK3 protein (p.Gln505Arg). This variant is not present in population databases (gnomAD no frequency). This variant has not been reported in the literature in individuals affected with JAK3-related conditions. ClinVar contains an entry for this variant (Variation ID: 950110). Advanced modeling of protein sequence and biophysical properties (such as structural, functional, and spatial information, amino acid conservation, physicochemical variation, residue mobility, and thermodynamic stability) performed at Invitae indicates that this missense variant is not expected to disrupt JAK3 protein function. In summary, the available evidence is currently insufficient to determine the role of this variant in disease. Therefore, it has been classified as a Variant of Uncertain Significance.